The following is an entry in ClinVar:

ClinVar aggregate classification (germline): Pathogenic (1 of 4 stars; one submission).

Conditions:
Hereditary diffuse gastric adenocarcinoma (HDGC). Also called: DIFFUSE GASTRIC AND LOBULAR BREAST CANCER SYNDROME. Identifiers: Orphanet 26106, MedGen C1708349, MONDO:0007648, OMIM 137215.

Submission:

Labcorp Genetics (formerly Invitae), Labcorp
Classification: Pathogenic for Hereditary diffuse gastric cancer. Last evaluated: 2019-03-26. Review status: criteria provided, single submitter. Criteria: Invitae Variant Classification Sherloc (09022015). Collection method: clinical testing. Allele origin: germline.
Comment: This variant is a gross deletion of the genomic region encompassing exons 14-16 of the CDH1 gene. The 5' boundary is likely confined to intron 13. The 3' end of this event is unknown as it extends through the termination codon beyond the assayed region for this gene and may encompass additional genes. While this deletion is not anticipated to result in nonsense mediated decay, it is expected to create a truncated protein product or disrupt mRNA translation. A gross deletion of exons 14-16 has been observed in a family affected with diffuse gastric cancer (PMID: 19168852). This variant is expected to delete the C-terminal portion of the cytoplasmic domain of the CDH1 (E-cadherin) protein, which includes the binding domains for the PIP5K1C (phosphatidylinositol phosphate kinase, type I gamma) and CTNNB1 (beta-catenin) proteins (PMID: 22850631). Loss of these domains is expected to disrupt normal E-cadherin function. This suggests that deletion of this region of the CDH1 protein is causative of disease. Sub-genic deletion of exon 16 and sub-genic deletion of exons 14-15 have been determined to be pathogenic (PMID: 19168852, Invitae). Therefore, deletions that fully encompass that region are also expected to be pathogenic. For these reasons, this variant has been classified as Pathogenic.

Literature cited by the submitters: PubMed 19168852; PubMed 22850631.

NC_000016.10:g.(?_68828164)_(68833509_?)del

Gene: CDH1 (cadherin 1; plus strand). Cytogenetic location: 16q22.1.
Variant type: Deletion.
Identifiers: ClinVar variation 662849 (VCV000662849.2).